The following is an entry in ClinVar:

NM_000642.3(AGL):c.3584C>G (p.Thr1195Arg)

Gene: AGL (amylo-alpha-1,6-glucosidase and 4-alpha-glucanotransferase; plus strand). Cytogenetic location: 1p21.2.
Variant type: single nucleotide variant.
Coding change: c.3584C>G on transcript NM_000642.3 (MANE Select); coding-DNA position 3584, C replaced by G.
Protein change: p.Thr1195Arg; replaces threonine 1195 with arginine.
Molecular consequence: missense variant.
Genome position (GRCh38, 1-based): chr1:99,900,857, C>G. VCF-style: chr1-99900857-C-G. GRCh37 (hg19) VCF-style: chr1-100366413-C-G.
Other names: p.Thr1195Arg; c.3584C>G, p.Thr1195Arg (NM_000028.3, NM_000643.3, NM_000644.3 and 1 more transcripts); c.3536C>G, p.Thr1179Arg (NM_000646.3); c.3563C>G, p.Thr1188Arg (NM_001425326.1); c.3383C>G, p.Thr1128Arg (NM_001425327.1); c.3380C>G, p.Thr1127Arg (NM_001425328.1); c.3245C>G, p.Thr1082Arg (NM_001425329.1); c.3206C>G, p.Thr1069Arg (NM_001425332.1); short protein forms T1195R, T1179R, T1069R, T1082R, T1127R, T1128R, T1188R.
Identifiers: ClinVar variation 291343 (VCV000291343.20), dbSNP rs148930543, ClinGen allele CA967103.

ClinVar aggregate classification (germline): Uncertain significance. Review status: criteria provided, multiple submitters, no conflicts (2 of 4 stars). 8 submissions from 8 submitters: Uncertain significance (7). 1 of the submissions does not count toward it. Last evaluated 2025-07-13.

Conditions:
Glycogen storage disease type III (GSD3). Also called: FORBES DISEASE; Cori disease. Identifiers: Orphanet 366, MedGen C0017922, MONDO:0009291, OMIM 232400.
Inborn genetic diseases. Identifiers: MedGen C0950123, MeSH D030342.

Allele frequency attached by ClinVar (database versions not stated): ESP Exome Variant Server 0.00015; gnomAD 0.00008; ExAC 0.00009; gnomAD exomes 0.00009; TOPMed 0.00011.
gnomAD v4.1: 338 of 1,588,888 alleles (0.021%); highest among the groups gnomAD compares: Non-Finnish European, 0.027%; no homozygotes.

Submissions (9):

Ambry Genetics
Classification: Uncertain significance for Inborn genetic diseases. Last evaluated: 2025-07-13. Review status: criteria provided, single submitter. Criteria: Ambry Variant Classification Scheme 2023. Collection method: clinical testing. Allele origin: germline.

Mayo Clinic Laboratories, Mayo Clinic
Classification: Uncertain significance. Last evaluated: 2025-04-08. Review status: criteria provided, single submitter. Criteria: ACMG Guidelines, 2015. Collection method: clinical testing. Allele origin: germline. Observed: 2 variant alleles.
Comment: BP4_moderate, PM2_supporting

Revvity Omics, Revvity
Classification: Uncertain significance for Glycogen storage disease type III. Last evaluated: 2025-02-19. Review status: criteria provided, single submitter. Criteria: ACMG Guidelines, 2015. Collection method: clinical testing. Allele origin: germline.

Blueprint Genetics
Classification: Uncertain significance. Last evaluated: 2024-09-03. Review status: criteria provided, single submitter. Criteria: ACMG Guidelines, 2015. Collection method: clinical testing. Allele origin: germline.

Labcorp Genetics (formerly Invitae), Labcorp
Classification: Uncertain significance for Glycogen storage disease type III. Last evaluated: 2022-08-21. Review status: criteria provided, single submitter. Criteria: Invitae Variant Classification Sherloc (09022015). Collection method: clinical testing. Allele origin: germline.
Comment: This sequence change replaces threonine, which is neutral and polar, with arginine, which is basic and polar, at codon 1195 of the AGL protein (p.Thr1195Arg). This variant is present in population databases (rs148930543, gnomAD 0.02%). This variant has not been reported in the literature in individuals affected with AGL-related conditions. ClinVar contains an entry for this variant (Variation ID: 291343). Algorithms developed to predict the effect of missense changes on protein structure and function (SIFT, PolyPhen-2, Align-GVGD) all suggest that this variant is likely to be tolerated. Algorithms developed to predict the effect of sequence changes on RNA splicing suggest that this variant may create or strengthen a splice site. In summary, the available evidence is currently insufficient to determine the role of this variant in disease. Therefore, it has been classified as a Variant of Uncertain Significance.

Genome-Nilou Lab
Classification: Uncertain significance for Glycogen storage disease type III. Last evaluated: 2021-07-15. Review status: criteria provided, single submitter. Criteria: ACMG Guidelines, 2015. Collection method: clinical testing. Allele origin: germline. Affected: no.

Illumina Laboratory Services, Illumina
Classification: Uncertain significance for Glycogen storage disease type III. Last evaluated: 2018-01-13. Review status: criteria provided, single submitter. Criteria: ICSL Variant Classification Criteria 13 December 2019. Collection method: clinical testing. Allele origin: germline.

Natera, Inc.
Classification: Uncertain significance for Glycogen storage disease type III. Last evaluated: 2020-09-16. Review status: no assertion criteria provided. Collection method: clinical testing. Allele origin: germline. Not counted in ClinVar's aggregate classification.

Dr. Peter K. Rogan Lab, Western University
No classification provided (evidence only). Condition: Uveal melanoma. Review status: no classification provided. Collection method: in vitro. Allele origin: not applicable. Functional consequence: retained intron. Not counted in ClinVar's aggregate classification.